The following is an entry in ClinVar:

NM_024721.5(ZFHX4):c.2329A>G (p.Asn777Asp)

Gene: ZFHX4 (zinc finger homeobox 4; plus strand). Cytogenetic location: 8q21.13.
Variant type: single nucleotide variant.
Coding change: c.2329A>G on transcript NM_024721.5 (MANE Select); coding-DNA position 2329, A replaced by G.
Protein change: p.Asn777Asp; replaces asparagine 777 with aspartic acid.
Molecular consequence: missense variant.
Genome position (GRCh38, 1-based): chr8:76,706,417, A>G. VCF-style: chr8-76706417-A-G. GRCh37 (hg19) VCF-style: chr8-77618652-A-G.
Other names: c.2329A>G, p.Asn777Asp (NM_001410934.1); short protein forms N777D.
Identifiers: ClinVar variation 4685242 (VCV004685242.1).
Genomic context (GRCh38, chr8:76,706,417, plus strand): 5'-TCTCCGTCCAAACCCAAACAGAAACCCACCTGGCGGTGTGAAGTTTGTGATTATGAAACC[A>G]ATGTCGCCAGGAACCTCCGAATTCATATGACCAGCGAAAAGCACATGCATAATATGATGC-3'
Protein context (NP_078997.4, residues 767-787): WRCEVCDYET[Asn777Asp]VARNLRIHMT

ClinVar aggregate classification (germline): Uncertain significance (1 of 4 stars; one submission).

gnomAD v4.1: 2 of 1,614,148 alleles (0.00012%); highest among the groups gnomAD compares: Non-Finnish European, 0.00017%; no homozygotes.

Submission:

GeneDx
Classification: Uncertain significance. Last evaluated: 2025-07-09. Review status: criteria provided, single submitter. Criteria: GeneDx Variant Classification Process June 2021. Collection method: clinical testing. Allele origin: germline. Affected: yes.
Comment: Not observed at significant frequency in large population cohorts (gnomAD); In silico analysis supports that this missense variant has a deleterious effect on protein structure/function; Has not been previously published as pathogenic or benign to our knowledge